The following is an entry in ClinVar:

ClinVar aggregate classification (germline): not provided (0 of 4 stars; one submission).

Submission:

Medical Genetics Unit, Ain Shams University Pediatrics Hospital
No classification provided. Review status: no classification provided. Collection method: not provided. Allele origin: unknown.
Comment: Methylmalonic aciduria

NM_000255.4(MMUT):c.385+29del

Gene: MMUT (methylmalonyl-CoA mutase; minus strand). Cytogenetic location: 6p12.3.
Variant type: Deletion.
Coding change: c.385+29del on transcript NM_000255.4 (MANE Select); 29 bases into the intron after coding-DNA position 385, one base deleted (T; older notation c.385+29delT).
Molecular consequence: intron variant.
Genome position (GRCh38, 1-based): chr6:49,459,053, A deleted on the plus strand (T on the coding strand, the reverse complement: MMUT is on the minus strand); the first of 3 consecutive A bases (chr6:49,459,053-49,459,055); deleting any one gives the same sequence. VCF-style (leftmost placement, unchanged base first): chr6-49459052-TA-T. GRCh37 (hg19) VCF-style: chr6-49426765-TA-T.
Other names: KC594084.1; KC594090.1.
Identifiers: ClinVar variation 100710 (VCV000100710.2), dbSNP rs483352787, ClinGen allele CA235525.